The following is an entry in ClinVar:

NM_000702.4(ATP1A2):c.2116G>A (p.Gly706Arg)

Gene: ATP1A2 (ATPase Na+/K+ transporting subunit alpha 2; plus strand). Cytogenetic location: 1q23.2.
Variant type: single nucleotide variant.
Coding change: c.2116G>A on transcript NM_000702.4 (MANE Select); coding-DNA position 2116, G replaced by A.
Protein change: p.Gly706Arg; replaces glycine 706 with arginine.
Molecular consequence: missense variant.
Genome position (GRCh38, 1-based): chr1:160,135,434, G>A. VCF-style: chr1-160135434-G-A. GRCh37 (hg19) VCF-style: chr1-160105224-G-A.
Other names: short protein forms G706R.
Identifiers: ClinVar variation 2501359 (VCV002501359.1), dbSNP rs759387594, ClinGen allele CA1194682.

ClinVar aggregate classification (germline): Uncertain significance (1 of 4 stars; one submission).

Allele frequency attached by ClinVar (database versions not stated): TOPMed below 0.00001; gnomAD 0.00001; ExAC 0.00002; gnomAD exomes 0.00002.
gnomAD v4.1: 24 of 1,614,056 alleles (0.0015%); highest among the groups gnomAD compares: East Asian, 0.0045%; no homozygotes.

Submission:

GeneDx
Classification: Uncertain significance. Last evaluated: 2022-11-02. Review status: criteria provided, single submitter. Criteria: GeneDx Variant Classification Process June 2021. Collection method: clinical testing. Allele origin: germline. Affected: yes.
Comment: Not observed at significant frequency in large population cohorts (gnomAD); In silico analysis supports that this missense variant has a deleterious effect on protein structure/function; Has not been previously published as pathogenic or benign to our knowledge; This variant is associated with the following publications: (PMID: 18184292)